The following is an entry in ClinVar:

NM_021226.4(ARHGAP22):c.989-385A>G

Gene: ARHGAP22 (Rho GTPase activating protein 22; minus strand). Cytogenetic location: 10q11.22.
Variant type: single nucleotide variant.
Coding change: c.989-385A>G on transcript NM_021226.4 (MANE Select); 385 bases into the intron before coding-DNA position 989, A replaced by G.
Molecular consequence: intron variant. On other transcripts: non-coding transcript variant (3).
Genome position (GRCh38, 1-based): chr10:48,451,525, T>C on the plus strand (A>G on the coding strand, the complement: ARHGAP22 is on the minus strand). VCF-style: chr10-48451525-T-C. GRCh37 (hg19) VCF-style: chr10-49659568-T-C.
Other names: c.1007-385A>G (NM_001347738.2, NM_001256025.3); c.860-385A>G (NM_001347735.2); c.1037-385A>G (NM_001256024.2); c.719-385A>G (NM_001256026.2).
Identifiers: ClinVar variation 2640449 (VCV002640449.24), dbSNP rs764897851, ClinGen allele CA5491314.

ClinVar aggregate classification (germline): Likely benign (1 of 4 stars; one submission).

Allele frequency attached by ClinVar (database versions not stated): gnomAD 0.00012; TOPMed 0.00013; 1000 Genomes Project 30x 0.00016; gnomAD exomes 0.00019; ExAC 0.00149.

Submission:

CeGaT Center for Human Genetics Tuebingen
Classification: Likely benign. Last evaluated: 2022-03-01. Review status: criteria provided, single submitter. Criteria: CeGaT Center For Human Genetics Tuebingen Variant Classification Criteria Version 2. Collection method: clinical testing. Allele origin: germline. Affected: yes. Observed: 1 variant allele.
Comment: ARHGAP22: BP4